The following is an entry in ClinVar:

ClinVar aggregate classification (germline): Conflicting classifications of pathogenicity. Review status: criteria provided, conflicting classifications (1 of 4 stars). 2 submissions from 2 submitters: Uncertain significance (1); Benign (1). Last evaluated 2025-09-15.

Conditions:
Hereditary cancer-predisposing syndrome. Also called: Tumor predisposition; Hereditary Cancer Syndrome; Neoplastic Syndromes, Hereditary; Hereditary neoplastic syndrome. Identifiers: Orphanet 140162, MedGen C0027672, MeSH D009386, MONDO:0015356.
Familial adenomatous polyposis 2. Also called: MYH-associated polyposis; FAP type 2; ADENOMAS, MULTIPLE COLORECTAL, AUTOSOMAL RECESSIVE; MUTYH Polyposis; MUTYH-associated polyposis; MUTYH-related attenuated familial adenomatous polyposis. Identifiers: Orphanet 220460, Orphanet 247798, MedGen C3272841, MONDO:0012041, OMIM 608456.

Submissions (2):

Ambry Genetics
Classification: Benign for Hereditary cancer-predisposing syndrome. Last evaluated: 2025-09-15. Review status: criteria provided, single submitter. Criteria: Ambry Variant Classification Scheme 2023. Collection method: clinical testing. Allele origin: germline.

Labcorp Genetics (formerly Invitae), Labcorp
Classification: Uncertain significance for Familial adenomatous polyposis 2. Last evaluated: 2024-04-22. Review status: criteria provided, single submitter. Criteria: Invitae Variant Classification Sherloc (09022015). Collection method: clinical testing. Allele origin: germline.
Comment: This sequence change replaces serine, which is neutral and polar, with asparagine, which is neutral and polar, at codon 24 of the MUTYH protein (p.Ser24Asn). This variant is not present in population databases (gnomAD no frequency). This variant has not been reported in the literature in individuals affected with MUTYH-related conditions. ClinVar contains an entry for this variant (Variation ID: 231412). An algorithm developed to predict the effect of missense changes on protein structure and function (PolyPhen-2) suggests that this variant is likely to be tolerated. In summary, the available evidence is currently insufficient to determine the role of this variant in disease. Therefore, it has been classified as a Variant of Uncertain Significance.

NM_001048174.2(MUTYH):c.29G>A (p.Ser10Asn)

Gene: MUTYH (mutY DNA glycosylase; minus strand). Cytogenetic location: 1p34.1.
Variant type: single nucleotide variant.
Coding change: c.29G>A on transcript NM_001048174.2 (MANE Select); coding-DNA position 29, G replaced by A.
Protein change: p.Ser10Asn; replaces serine 10 with asparagine.
Molecular consequence: missense variant. On other transcripts: 5 prime UTR variant (4), non-coding transcript variant (2).
Genome position (GRCh38, 1-based): chr1:45,334,477, C>T on the plus strand (G>A on the coding strand, the complement: MUTYH is on the minus strand). VCF-style: chr1-45334477-C-T. GRCh37 (hg19) VCF-style: chr1-45800149-C-T.
Other names: c.29G>A, p.Ser10Asn (NM_001048171.2, NM_001048172.2, NM_001048173.2 and 2 more transcripts); c.71G>A, p.Ser24Asn (NM_001128425.2, NM_001293190.2, NM_012222.3); c.-184G>A (NM_001293192.2, NM_001293196.2); c.-243G>A (NM_001350650.2); c.-179G>A (NM_001350651.2); short protein forms S24N, S10N.
Identifiers: ClinVar variation 231412 (VCV000231412.12), dbSNP rs876659143, ClinGen allele CA10577751.